The following is an entry in ClinVar:

NM_000264.5(PTCH1):c.904C>T (p.Pro302Ser)

Gene: PTCH1 (patched 1; minus strand). Cytogenetic location: 9q22.32.
Variant type: single nucleotide variant.
Coding change: c.904C>T on transcript NM_000264.5 (MANE Select); coding-DNA position 904, C replaced by T.
Protein change: p.Pro302Ser; replaces proline 302 with serine.
Molecular consequence: missense variant. On other transcripts: non-coding transcript variant (1).
Genome position (GRCh38, 1-based): chr9:95,480,431, G>A on the plus strand (C>T on the coding strand, the complement: PTCH1 is on the minus strand). VCF-style: chr9-95480431-G-A. GRCh37 (hg19) VCF-style: chr9-98242713-G-A.
Other names: c.706C>T, p.Pro236Ser (NM_001083602.3); c.901C>T, p.Pro301Ser (NM_001083603.3); c.451C>T, p.Pro151Ser (NM_001083604.3, NM_001083605.3, NM_001083606.3 and 1 more transcripts); c.904C>T, p.Pro302Ser (NM_001354918.2); short protein forms P236S, P302S, P301S, P151S.
Identifiers: ClinVar variation 1765596 (VCV001765596.3), dbSNP rs1197814180, ClinGen allele CA374113775.

ClinVar aggregate classification (germline): Uncertain significance (1 of 4 stars; one submission).

Conditions:
Hereditary cancer-predisposing syndrome. Also called: Neoplastic Syndromes, Hereditary; Tumor predisposition; Hereditary Cancer Syndrome; Hereditary neoplastic syndrome. Identifiers: Orphanet 140162, MedGen C0027672, MeSH D009386, MONDO:0015356.

Allele frequency attached by ClinVar (database versions not stated): gnomAD exomes below 0.00001.
gnomAD v4.1: 1 of 1,611,246 alleles (0.000062%); highest among the groups gnomAD compares: Non-Finnish European, 0.000085%; no homozygotes.

Submission:

Ambry Genetics
Classification: Uncertain significance for Hereditary cancer-predisposing syndrome. Last evaluated: 2025-06-12. Review status: criteria provided, single submitter. Criteria: Ambry Variant Classification Scheme 2023. Collection method: clinical testing. Allele origin: germline.
Comment: The p.P302S variant (also known as c.904C>T), located in coding exon 6 of the PTCH1 gene, results from a C to T substitution at nucleotide position 904. The proline at codon 302 is replaced by serine, an amino acid with similar properties. This amino acid position is well conserved in available vertebrate species. In addition, the in silico prediction for this alteration is inconclusive. Based on the available evidence, the clinical significance of this variant remains unclear.